The following is an entry in ClinVar:

ClinVar aggregate classification (germline): Uncertain significance (1 of 4 stars; one submission).

Conditions:
Hereditary cancer-predisposing syndrome. Also called: Tumor predisposition; Neoplastic Syndromes, Hereditary; Hereditary Cancer Syndrome; Hereditary neoplastic syndrome. Identifiers: Orphanet 140162, MedGen C0027672, MeSH D009386, MONDO:0015356.

Submission:

Ambry Genetics
Classification: Uncertain significance for Hereditary cancer-predisposing syndrome. Last evaluated: 2025-03-07. Review status: criteria provided, single submitter. Criteria: Ambry Variant Classification Scheme 2023. Collection method: clinical testing. Allele origin: germline.
Comment: The p.I558T variant (also known as c.1673T>C), located in coding exon 11 of the NBN gene, results from a T to C substitution at nucleotide position 1673. The isoleucine at codon 558 is replaced by threonine, an amino acid with similar properties. This amino acid position is conserved. In addition, this alteration is predicted to be tolerated by in silico analysis. Based on the available evidence, the clinical significance of this variant remains unclear.

NM_002485.5(NBN):c.1673T>C (p.Ile558Thr)

Gene: NBN (nibrin; minus strand). Cytogenetic location: 8q21.3.
Variant type: single nucleotide variant.
Coding change: c.1673T>C on transcript NM_002485.5 (MANE Select); coding-DNA position 1673, T replaced by C.
Protein change: p.Ile558Thr; replaces isoleucine 558 with threonine.
Molecular consequence: missense variant.
Genome position (GRCh38, 1-based): chr8:89,953,416, A>G on the plus strand (T>C on the coding strand, the complement: NBN is on the minus strand). VCF-style: chr8-89953416-A-G. GRCh37 (hg19) VCF-style: chr8-90965644-A-G.
Other names: c.1427T>C, p.Ile476Thr (NM_001024688.3); short protein forms I476T, I558T.
Identifiers: ClinVar variation 3877909 (VCV003877909.1).